The following is an entry in ClinVar:

NM_001182.5(ALDH7A1):c.1429G>C (p.Asp477His)

Gene: ALDH7A1 (aldehyde dehydrogenase 7 family member A1; minus strand). Cytogenetic location: 5q23.2.
Variant type: single nucleotide variant.
Coding change: c.1429G>C on transcript NM_001182.5 (MANE Select); coding-DNA position 1429, G replaced by C.
Protein change: p.Asp477His; replaces aspartic acid 477 with histidine.
Molecular consequence: missense variant.
Genome position (GRCh38, 1-based): chr5:126,549,989, C>G on the plus strand (G>C on the coding strand, the complement: ALDH7A1 is on the minus strand). VCF-style: chr5-126549989-C-G. GRCh37 (hg19) VCF-style: chr5-125885681-C-G.
Other names: c.1345G>C, p.Asp449His (NM_001201377.2); c.1237G>C, p.Asp413His (NM_001202404.2); short protein forms D413H, D449H, D477H.
Identifiers: ClinVar variation 1384110 (VCV001384110.6), dbSNP rs1749935128, ClinGen allele CA360721150.

ClinVar aggregate classification (germline): Uncertain significance (1 of 4 stars; one submission).

Conditions:
Pyridoxine-dependent epilepsy (EPEO4). Also called: Pyridoxine-Dependent Epilepsy - ALDH7A1; PYRIDOXINE DEPENDENCY WITH SEIZURES; EPILEPSY, EARLY-ONSET, 4, VITAMIN B6-DEPENDENT; Pyridoxine-Dependent Seizures. Identifiers: Orphanet 3006, MedGen C1849508, MONDO:0009945, OMIM 266100. Disease mechanism: loss of function.

Allele frequency attached by ClinVar (database versions not stated): TOPMed 0.00001.

Submission:

Labcorp Genetics (formerly Invitae), Labcorp
Classification: Uncertain significance for Pyridoxine-dependent epilepsy. Last evaluated: 2021-10-02. Review status: criteria provided, single submitter. Criteria: Invitae Variant Classification Sherloc (09022015). Collection method: clinical testing. Allele origin: germline.
Comment: In summary, the available evidence is currently insufficient to determine the role of this variant in disease. Therefore, it has been classified as a Variant of Uncertain Significance. Advanced modeling of protein sequence and biophysical properties (such as structural, functional, and spatial information, amino acid conservation, physicochemical variation, residue mobility, and thermodynamic stability) performed at Invitae indicates that this missense variant is expected to disrupt ALDH7A1 protein function. This sequence change replaces aspartic acid with histidine at codon 477 of the ALDH7A1 protein (p.Asp477His). The aspartic acid residue is highly conserved and there is a moderate physicochemical difference between aspartic acid and histidine. This variant is not present in population databases (ExAC no frequency). This variant has not been reported in the literature in individuals affected with ALDH7A1-related conditions.